The following is an entry in ClinVar:

NM_001035.3(RYR2):c.2881G>T (p.Val961Leu)

Gene: RYR2 (ryanodine receptor 2; plus strand). Cytogenetic location: 1q43.
Variant type: single nucleotide variant.
Coding change: c.2881G>T on transcript NM_001035.3 (MANE Select); coding-DNA position 2881, G replaced by T.
Protein change: p.Val961Leu; replaces valine 961 with leucine.
Molecular consequence: missense variant.
Genome position (GRCh38, 1-based): chr1:237,530,485, G>T. VCF-style: chr1-237530485-G-T. GRCh37 (hg19) VCF-style: chr1-237693785-G-T.
Other names: short protein forms V961L.
Identifiers: ClinVar variation 229218 (VCV000229218.7), dbSNP rs876657990, ClinGen allele CA10576403.

ClinVar aggregate classification (germline): Uncertain significance. Review status: criteria provided, multiple submitters, no conflicts (2 of 4 stars). 2 submissions from 2 submitters: Uncertain significance (2). Last evaluated 2021-04-05.

Conditions:
Cardiomyopathy (CMYO). Also called: Cardiomyopathies. Identifiers: Orphanet 167848, MedGen C0878544, MONDO:0004994, HP:0001638. Inheritance: Various modes of inheritance.

Allele frequency attached by ClinVar (database versions not stated): gnomAD exomes below 0.00001.
gnomAD v4.1: 4 of 1,606,902 alleles (0.00025%); highest among the groups gnomAD compares: Middle Eastern, 0.033%; no homozygotes.

Submissions (2):

Color Diagnostics, LLC DBA Color Health
Classification: Uncertain significance for Cardiomyopathy. Last evaluated: 2021-04-05. Review status: criteria provided, single submitter. Criteria: ACMG Guidelines, 2015. Collection method: clinical testing. Allele origin: germline.
Comment: This missense variant replaces valine with leucine at codon 961 of the RYR2 protein. Computational prediction suggests that this variant may not impact protein structure and function (internally defined REVEL score threshold <= 0.5, PMID: 27666373). To our knowledge, functional studies have not been reported for this variant. This variant has not been reported in individuals affected with cardiovascular disorders in the literature. This variant has not been identified in the general population by the Genome Aggregation Database (gnomAD). The available evidence is insufficient to determine the role of this variant in disease conclusively. Therefore, this variant is classified as a Variant of Uncertain Significance.

Laboratory for Molecular Medicine, Mass General Brigham Personalized Medicine
Classification: Uncertain significance. Last evaluated: 2015-07-02. Review status: criteria provided, single submitter. Criteria: LMM Criteria. Collection method: clinical testing. Allele origin: germline. Observed: 1 variant allele.
Comment: The p.Val961Leu variant in RYR2 has not been previously reported in individuals with cardiomyopathy or in large population studies. Computational prediction too ls and conservation analysis do not provide strong support for or against an imp act to the protein. In summary, the clinical significance of the p.Val961Leu var iant is uncertain.